The following is an entry in ClinVar:

NM_001267550.2(TTN):c.44225del (p.Gly14742fs)

Gene: TTN (titin; minus strand). Cytogenetic location: 2q31.2.
Variant type: Deletion.
Coding change: c.44225del on transcript NM_001267550.2 (MANE Select); coding-DNA position 44225, one base deleted (G; older notation c.44225delG).
Protein change: p.Gly14742fs; shifts the reading frame from glycine 14742.
Molecular consequence: frameshift variant.
Genome position (GRCh38, 1-based): chr2:178,630,297, C deleted on the plus strand (G on the coding strand, the reverse complement: TTN is on the minus strand); the first of 3 consecutive C bases (chr2:178,630,297-178,630,299); deleting any one gives the same sequence. VCF-style (leftmost placement, unchanged base first): chr2-178630296-AC-A. GRCh37 (hg19) VCF-style: chr2-179495023-AC-A.
Other names: c.39302del, p.Gly13101fs (NM_001256850.1); c.17030del, p.Gly5677fs (NM_003319.4); c.36521del, p.Gly12174fs (NM_133378.4); c.17405del, p.Gly5802fs (NM_133432.3); c.17606del, p.Gly5869fs (NM_133437.4); short protein forms G12174fs, G13101fs, G14742fs, G5677fs, G5802fs, G5869fs.
Identifiers: ClinVar variation 5037827 (VCV005037827.1).
Genomic context (GRCh38, chr2:178,630,296, plus strand): 5'-CTTACGCTTAACTCGGAGGTGGGCACTAGATTTAACATTGGCAGCTTGGAAATCCACCCC[AC>A]CCGTCTGGTCCAGGCGACAGTTGTGCAAAACAAGGGAGTGTATTTTGCCTTCTTCCTTAA-3'

ClinVar aggregate classification (germline): Likely pathogenic (1 of 4 stars; one submission).

Conditions:
Cardiovascular phenotype. Identifiers: MedGen CN230736.

Submission:

Molecular Diagnostic Laboratory for Inherited Cardiovascular Disease, Montreal Heart Institute
Classification: Likely pathogenic for Cardiovascular phenotype. Last evaluated: 2026-08-21. Review status: criteria provided, single submitter. Criteria: ACMG Guidelines, 2015. Collection method: clinical testing. Allele origin: germline. Affected: yes.
Comment: PVS1, PM2